The following is an entry in ClinVar:

NM_000124.4(ERCC6):c.1750_1751insT (p.Glu584fs)

Gene: ERCC6 (ERCC excision repair 6, chromatin remodeling factor; minus strand). Cytogenetic location: 10q11.23.
Variant type: Insertion.
Coding change: c.1750_1751insT on transcript NM_000124.4 (MANE Select); coding-DNA positions 1750 to 1751, T inserted.
Protein change: p.Glu584fs; shifts the reading frame from glutamic acid 584.
Molecular consequence: frameshift variant.
Genome position: GRCh38 VCF-style: chr10-49493187-T-TA. GRCh37 (hg19) VCF-style: chr10-50701233-T-TA.
Other names: c.1750_1751insT, p.Glu584fs (NM_001346440.2); short protein forms E584fs.
Identifiers: ClinVar variation 1074052 (VCV001074052.7), dbSNP rs2132565021, ClinGen allele CA2499220253.

ClinVar aggregate classification (germline): Pathogenic (1 of 4 stars; one submission).

Submission:

Labcorp Genetics (formerly Invitae), Labcorp
Classification: Pathogenic. Last evaluated: 2022-02-09. Review status: criteria provided, single submitter. Criteria: Invitae Variant Classification Sherloc (09022015). Collection method: clinical testing. Allele origin: germline.
Comment: Algorithms developed to predict the effect of sequence changes on RNA splicing suggest that this variant may create or strengthen a splice site. This sequence change creates a premature translational stop signal (p.Glu584Valfs*16) in the ERCC6 gene. It is expected to result in an absent or disrupted protein product. Loss-of-function variants in ERCC6 are known to be pathogenic (PMID: 18628313, 29572252). This variant is not present in population databases (gnomAD no frequency). This variant has not been reported in the literature in individuals affected with ERCC6-related conditions. ClinVar contains an entry for this variant (Variation ID: 1074052). For these reasons, this variant has been classified as Pathogenic.

Literature cited by the submitters: PubMed 18628313; PubMed 29572252.